The following is an entry in ClinVar:

Conditions:
Long QT syndrome 5 (LQT5). Identifiers: Orphanet 101016, Orphanet 768, MedGen C1867904, MONDO:0013372, OMIM 613695.

Submission:

Roden Lab, Vanderbilt University Medical Center
No classification provided (evidence only). Condition: Long QT syndrome 5. Review status: no classification provided. Collection method: in vitro. Allele origin: not applicable. Functional consequence: Effect on ion channel function.
ClinVar note: "not provided" was previously submitted as the classification for the variant. However, the classification appeared to be based only on an observation of functional data so it was converted to no classification on 2025-07-30.

NM_000219.6(KCNE1):c.184A>G (p.Met62Val)

Gene: KCNE1 (potassium voltage-gated channel subfamily E regulatory subunit 1; minus strand). Cytogenetic location: 21q22.12.
Variant type: single nucleotide variant.
Coding change: c.184A>G on transcript NM_000219.6 (MANE Select); coding-DNA position 184, A replaced by G.
Protein change: p.Met62Val; replaces methionine 62 with valine.
Molecular consequence: missense variant.
Genome position (GRCh38, 1-based): chr21:34,449,451, T>C on the plus strand (A>G on the coding strand, the complement: KCNE1 is on the minus strand). VCF-style: chr21-34449451-T-C. GRCh37 (hg19) VCF-style: chr21-35821749-T-C.
Other names: c.184A>G, p.Met62Val (NM_001127668.4, NM_001127669.4, NM_001127670.4 and 4 more transcripts); short protein forms M62V.
Identifiers: ClinVar variation 3374268 (VCV003374268.2).
Genomic context (GRCh38, chr21:34,449,451, plus strand): 5'-TGTAGACGTTGAATGGGTCGTTCGAGTGCTCCAGCTTCTTGGAGCGGATGTAGCTCAGCA[T>C]GATGCCCAGGGTGAAGAAGCCGAAGAATCCCAGTACCATGAGGACGTAGAGGGCCTCCAG-3'
Protein context (NP_000210.2, residues 52-72): GFFGFFTLGI[Met62Val]LSYIRSKKLE